The following is an entry in ClinVar:

NM_000441.2(SLC26A4):c.1178TCT[1] (p.Phe394del)

Gene: SLC26A4 (solute carrier family 26 member 4; plus strand). Cytogenetic location: 7q22.3.
Variant type: Microsatellite.
Coding change: c.1178TCT[1] on transcript NM_000441.2 (MANE Select); one copy of the 3-base unit TCT starting at c.1178; the reference has two copies in a row; one copy, 3 bases deleted; also written c.1181_1183del.
Protein change: p.Phe394del; deletes phenylalanine 394.
Molecular consequence: inframe deletion.
Genome position (GRCh38, 1-based): chr7:107,690,155-107,690,157, TCT deleted; deleting any 3 consecutive bases within chr7:107,690,152-107,690,157 gives the same sequence; the position shown is the placement nearest the transcript's 3' end. VCF-style (leftmost placement, unchanged base first): chr7-107690151-ATCT-A. GRCh37 (hg19) VCF-style: chr7-107330596-ATCT-A.
Other names: c.1181_1183del (NM_000441.1, NM_000441.2); c.1181_1183delTCT (NM_000441.2); short protein forms F394del.
Identifiers: ClinVar variation 370463 (VCV000370463.18), dbSNP rs777008062, ClinGen allele CA4432715.
Genomic context (GRCh38, chr7:107,690,151, plus strand): 5'-TGTAGGATCGTTGTCATCCAGTCTCTTCCTTAGGAATTCATTGCCTTTGGGATCAGCAAC[ATCT>A]TCTCAGGATTCTTCTCTTGTTTTGTGGCCACCACTGCTCTTTCCCGCACGGCCGTCCAGG-3'

ClinVar aggregate classification (germline): Pathogenic/Likely pathogenic. Review status: criteria provided, multiple submitters, no conflicts (2 of 4 stars). 6 submissions from 6 submitters: Pathogenic (4); Likely pathogenic (1). 1 of the submissions does not count toward it. Last evaluated 2026-06-01.

Conditions:
Pendred syndrome (PDS). Also called: Pendred's syndrome; DEAFNESS WITH GOITER; GOITER-DEAFNESS SYNDROME; HYPOTHYROIDISM, CONGENITAL, DUE TO DYSHORMONOGENESIS, 2B; THYROID DYSHORMONOGENESIS 2B; THYROID HORMONOGENESIS, GENETIC DEFECT IN, 2B. Identifiers: Orphanet 705, MedGen C0271829, MONDO:0010134, OMIM 274600.
Autosomal recessive nonsyndromic hearing loss 4 (DFNB4). Also called: Nonsyndromic enlarged vestibular aqueduct (NSEVA); Deafness, autosomal recessive 4, with enlarged vestibular aqueduct; Enlarged vestibular aqueduct, digenic; FOXI1-Related Pendred Syndrome; KCNJ10-Related Pendred Syndrome; NEUROSENSORY NONSYNDROMIC RECESSIVE DEAFNESS 4. Identifiers: Orphanet 90636, MedGen C3538946, MONDO:0010933, OMIM 600791.

Submissions (6):

Department of Otolaryngology-Head and Neck Surgery, Shanghai Jiao Tong University Affiliated Sixth People’s Hospital
Classification: Pathogenic for Autosomal recessive nonsyndromic hearing loss 4. Last evaluated: 2026-06-01. Review status: criteria provided, single submitter. Criteria: ACMG Guidelines, 2015. Collection method: provider interpretation. Allele origin: germline. Inheritance: Autosomal recessive inheritance. Affected: yes. Observed: 1 variant allele, 1 compound heterozygote.
Comment: The SLC26A4 c.1181_1183delTCT variant resides in exon 10 and leads to an in-frame deletion of the 394th amino acid of the encoded protein. Classification: Likely pathogenic (PM2_Supporting + PM3_Very Strong + PM4_Supporting). PM2_Supporting: Population frequency data from the ESP, 1000 Genomes, and gnomAD databases demonstrate the maximum allelic frequency of this variant is 0.000004. PM3_Very Strong: This variant has been identified in no fewer than four affected individuals, all of whom harbor a second pathogenic SLC26A4 variant in trans (PMID: 30086623, 25394566, 25372295). PM4_Supporting: The variant results in deletion of the 394th amino acid within the corresponding protein product.

Fulgent Genetics
Classification: Likely pathogenic for Pendred syndrome; Autosomal recessive nonsyndromic hearing loss 4. Last evaluated: 2024-05-14. Review status: criteria provided, single submitter. Criteria: ACMG Guidelines, 2015. Collection method: clinical testing. Allele origin: germline.

Baylor Genetics
Classification: Pathogenic for Autosomal recessive nonsyndromic hearing loss 4. Last evaluated: 2024-02-02. Review status: criteria provided, single submitter. Criteria: ACMG Guidelines, 2015. Collection method: clinical testing. Allele origin: unknown.

Labcorp Genetics (formerly Invitae), Labcorp
Classification: Pathogenic. Last evaluated: 2023-09-13. Review status: criteria provided, single submitter. Criteria: Invitae Variant Classification Sherloc (09022015). Collection method: clinical testing. Allele origin: germline.
Comment: This variant, c.1181_1183del, results in the deletion of 1 amino acid(s) of the SLC26A4 protein (p.Phe394del), but otherwise preserves the integrity of the reading frame. This variant is present in population databases (rs777008062, gnomAD 0.003%). This variant has been observed in individual(s) with Pendred syndrome (PMID: 11502831, 25372295, 30086623). In at least one individual the data is consistent with being in trans (on the opposite chromosome) from a pathogenic variant. It has also been observed to segregate with disease in related individuals. This variant is also known as S394del or c.1178delTCT. ClinVar contains an entry for this variant (Variation ID: 370463). For these reasons, this variant has been classified as Pathogenic.

Juno Genomics, Hangzhou Juno Genomics, Inc
Classification: Pathogenic for Autosomal recessive nonsyndromic hearing loss 4; Pendred syndrome. Review status: criteria provided, single submitter. Criteria: ACMG Guidelines, 2015. Collection method: clinical testing. Allele origin: germline. Affected: yes.
Comment: Absent from controls (or at extremely low frequency if recessive) in Genome Aggregation Database, Exome Sequencing Project, 1000 Genomes Project, or Exome Aggregation Consortium.;Protein length changes due to in-frame deletions/insertions in a non-repeat region or stop-loss variants.;For recessive disorders, detected in trans with a pathogenic variant.;Patient's phenotype or family history is highly specific for a disease with a single genetic etiology.;Co-segregation with disease in multiple affected family members in a gene definitively known to cause the disease.

Counsyl
Classification: Likely pathogenic for Pendred syndrome. Last evaluated: 2016-02-17. Review status: no assertion criteria provided. Collection method: clinical testing. Allele origin: unknown. Not counted in ClinVar's aggregate classification.

Literature cited by the submitters: PubMed 30086623 (cited by Department of Otolaryngology-Head and Neck Surgery, Shanghai Jiao Tong University Affiliated Sixth People’s Hospital and Labcorp Genetics (formerly Invitae), Labcorp); PubMed 25394566 (cited by Department of Otolaryngology-Head and Neck Surgery, Shanghai Jiao Tong University Affiliated Sixth People’s Hospital and Counsyl); PubMed 25372295 (cited by 3 submitters); PubMed 11502831 (cited by Labcorp Genetics (formerly Invitae), Labcorp and Counsyl); PubMed 23918157 (cited by Counsyl); PubMed 21366435 (cited by Counsyl); PubMed 17718863 (cited by Counsyl).